The following is an entry in ClinVar:

ClinVar aggregate classification (germline): Uncertain significance. Review status: criteria provided, multiple submitters, no conflicts (2 of 4 stars). 2 submissions from 2 submitters: Uncertain significance (2). Last evaluated 2025-10-31.

Conditions:
Hereditary cancer-predisposing syndrome. Also called: Neoplastic Syndromes, Hereditary; Tumor predisposition; Hereditary neoplastic syndrome; Hereditary Cancer Syndrome. Identifiers: Orphanet 140162, MedGen C0027672, MeSH D009386, MONDO:0015356.

Allele frequency attached by ClinVar (database versions not stated): TOPMed 0.00001; 1000 Genomes Project 30x 0.00016; gnomAD 0.00001; 1000 Genomes Project 0.00020.
gnomAD v4.1: 7 of 1,547,724 alleles (0.00045%); highest among the groups gnomAD compares: Admixed American, 0.012%; no homozygotes.

Submissions (2):

Labcorp Genetics (formerly Invitae), Labcorp
Classification: Uncertain significance. Last evaluated: 2025-10-31. Review status: criteria provided, single submitter. Criteria: Invitae Variant Classification Sherloc (09022015). Collection method: clinical testing. Allele origin: germline.
Comment: This sequence change replaces alanine, which is neutral and non-polar, with threonine, which is neutral and polar, at codon 20 of the FH protein (p.Ala20Thr). This variant is present in population databases (rs572324497, gnomAD 0.02%). This variant has not been reported in the literature in individuals affected with FH-related conditions. ClinVar contains an entry for this variant (Variation ID: 826045). Invitae Evidence Modeling of protein sequence and biophysical properties (such as structural, functional, and spatial information, amino acid conservation, physicochemical variation, residue mobility, and thermodynamic stability) indicates that this missense variant is not expected to disrupt FH protein function with a negative predictive value of 95%. In summary, the available evidence is currently insufficient to determine the role of this variant in disease. Therefore, it has been classified as a Variant of Uncertain Significance.

Ambry Genetics
Classification: Uncertain significance for Hereditary cancer-predisposing syndrome. Last evaluated: 2024-03-31. Review status: criteria provided, single submitter. Criteria: Ambry Variant Classification Scheme 2023. Collection method: clinical testing. Allele origin: germline.
Comment: The p.A20T variant (also known as c.58G>A), located in coding exon 1 of the FH gene, results from a G to A substitution at nucleotide position 58. The alanine at codon 20 is replaced by threonine, an amino acid with similar properties. This amino acid position is poorly conserved in available vertebrate species. In addition, this alteration is predicted to be tolerated by in silico analysis. Since supporting evidence is limited at this time, the clinical significance of this alteration remains unclear.

NM_000143.4(FH):c.58G>A (p.Ala20Thr)

Gene: FH (fumarate hydratase; minus strand). Cytogenetic location: 1q43.
Variant type: single nucleotide variant.
Coding change: c.58G>A on transcript NM_000143.4 (MANE Select); coding-DNA position 58, G replaced by A.
Protein change: p.Ala20Thr; replaces alanine 20 with threonine.
Molecular consequence: missense variant.
Genome position (GRCh38, 1-based): chr1:241,519,665, C>T on the plus strand (G>A on the coding strand, the complement: FH is on the minus strand). VCF-style: chr1-241519665-C-T. GRCh37 (hg19) VCF-style: chr1-241682965-C-T.
Other names: short protein forms A20T.
Identifiers: ClinVar variation 826045 (VCV000826045.12), dbSNP rs572324497, ClinGen allele CA1478777.